The following is an entry in ClinVar:

ClinVar aggregate classification (germline): Likely benign. Review status: criteria provided, multiple submitters, no conflicts (2 of 4 stars). 3 submissions from 3 submitters: Likely benign (3). Last evaluated 2025-05-13.

Conditions:
Cardiovascular phenotype. Identifiers: MedGen CN230736.
Autosomal recessive limb-girdle muscular dystrophy type 2J (LGMDR10). Also called: Limb-girdle muscular dystrophy, type 2J; MUSCULAR DYSTROPHY, LIMB-GIRDLE, AUTOSOMAL RECESSIVE 10. Identifiers: Orphanet 140922, MedGen C1837342, MONDO:0012127, OMIM 608807.
Dilated cardiomyopathy 1G (CMD1G). Identifiers: Orphanet 154, MedGen C1858763, MONDO:0011400, OMIM 604145.

Allele frequency attached by ClinVar (database versions not stated): TOPMed below 0.00001; ExAC 0.00001; gnomAD 0.00001; gnomAD exomes 0.00001.
gnomAD v4.1: 2 of 1,613,192 alleles (0.00012%); highest among the groups gnomAD compares: Admixed American, 0.0017%; no homozygotes.

Submissions (3):

Labcorp Genetics (formerly Invitae), Labcorp
Classification: Likely benign for Dilated cardiomyopathy 1G; Autosomal recessive limb-girdle muscular dystrophy type 2J. Last evaluated: 2025-05-13. Review status: criteria provided, single submitter. Criteria: Invitae Variant Classification Sherloc (09022015). Collection method: clinical testing. Allele origin: germline.

CeGaT Center for Human Genetics Tuebingen
Classification: Likely benign. Last evaluated: 2025-03-01. Review status: criteria provided, single submitter. Criteria: CeGaT Center For Human Genetics Tuebingen Variant Classification Criteria Version 2. Collection method: clinical testing. Allele origin: germline. Affected: yes. Observed: 1 variant allele.
Comment: TTN: BP4, BP7

Ambry Genetics
Classification: Likely benign for Cardiovascular phenotype. Last evaluated: 2024-07-29. Review status: criteria provided, single submitter. Criteria: Ambry Variant Classification Scheme 2023. Collection method: clinical testing. Allele origin: germline.

NM_001267550.2(TTN):c.73638T>C (p.Asp24546=)

Genes: TTN (titin; minus strand), TTN-AS1 (TTN antisense RNA 1; plus strand). Cytogenetic location: 2q31.2.
Variant type: single nucleotide variant.
Coding change: c.73638T>C on transcript NM_001267550.2 (MANE Select); coding-DNA position 73638, T replaced by C.
Protein change: p.Asp24546=; no amino-acid change (aspartic acid 24546 retained).
Molecular consequence: synonymous variant.
Genome position (GRCh38, 1-based): chr2:178,572,494, A>G on the plus strand (T>C on the coding strand, the complement: TTN is on the minus strand). VCF-style: chr2-178572494-A-G. GRCh37 (hg19) VCF-style: chr2-179437221-A-G.
Other names: c.68715T>C, p.Asp22905= (NM_001256850.1); c.46443T>C, p.Asp15481= (NM_003319.4); c.65934T>C, p.Asp21978= (NM_133378.4); c.46818T>C, p.Asp15606= (NM_133432.3); c.47019T>C, p.Asp15673= (NM_133437.4).
Identifiers: ClinVar variation 701653 (VCV000701653.19), dbSNP rs761939297, ClinGen allele CA1990340.
Genomic context (GRCh38, chr2:178,572,494, plus strand): 5'-ATATGCTTTTCTTGTTGATTCCCGCTTTTCAACAATATAGTTCTTGATTTTTGAACCTCC[A>G]TCAAGGAGAGGTGGGTCCCATGTGAGTGTGACAGATGTCTTAGTGACCTCTTTTACCTTC-3'
Protein context (NP_001254479.2, residues 24536-24556): VTLTWDPPLL[Asp24546=]GGSKIKNYIV